The following is an entry in ClinVar:

NM_004369.4(COL6A3):c.7391A>G (p.Lys2464Arg)

Gene: COL6A3 (collagen type VI alpha 3 chain; minus strand). Cytogenetic location: 2q37.3.
Variant type: single nucleotide variant.
Coding change: c.7391A>G on transcript NM_004369.4 (MANE Select); coding-DNA position 7391, A replaced by G.
Protein change: p.Lys2464Arg; replaces lysine 2464 with arginine.
Molecular consequence: missense variant.
Genome position (GRCh38, 1-based): chr2:237,344,627, T>C on the plus strand (A>G on the coding strand, the complement: COL6A3 is on the minus strand). VCF-style: chr2-237344627-T-C. GRCh37 (hg19) VCF-style: chr2-238253270-T-C.
Other names: c.5570A>G, p.Lys1857Arg (NM_057166.5); c.6773A>G, p.Lys2258Arg (NM_057167.4); short protein forms K2258R, K1857R, K2464R.
Identifiers: ClinVar variation 1035938 (VCV001035938.9), dbSNP rs1445471566, ClinGen allele CA351203285.

ClinVar aggregate classification (germline): Uncertain significance (1 of 4 stars; one submission).

Conditions:
Bethlem myopathy 1A. Also called: Bethlem Muscular Dystrophy; MYOPATHY, BENIGN CONGENITAL, WITH CONTRACTURES; Bethlem myopathy 1. Identifiers: Orphanet 610, MedGen CN029274, MONDO:0024530, OMIM 158810.

Allele frequency attached by ClinVar (database versions not stated): gnomAD exomes below 0.00001 and 0.00001; gnomAD 0.00001; TOPMed 0.00001.
gnomAD v4.1: 8 of 1,614,086 alleles (0.0005%); highest among the groups gnomAD compares: Non-Finnish European, 0.00068%; no homozygotes.

Submission:

Labcorp Genetics (formerly Invitae), Labcorp
Classification: Uncertain significance for Bethlem myopathy 1A. Last evaluated: 2020-04-01. Review status: criteria provided, single submitter. Criteria: Invitae Variant Classification Sherloc (09022015). Collection method: clinical testing. Allele origin: germline.
Comment: This sequence change replaces lysine with arginine at codon 2464 of the COL6A3 protein (p.Lys2464Arg). The lysine residue is moderately conserved and there is a small physicochemical difference between lysine and arginine. This variant is not present in population databases (ExAC no frequency). This variant has not been reported in the literature in individuals with COL6A3-related conditions. Algorithms developed to predict the effect of missense changes on protein structure and function output the following: SIFT: "Tolerated"; PolyPhen-2: "Not Available"; Align-GVGD: "Class C0". The arginine amino acid residue is found in multiple mammalian species, suggesting that this missense change does not adversely affect protein function. These predictions have not been confirmed by published functional studies and their clinical significance is uncertain. Algorithms developed to predict the effect of sequence changes on RNA splicing suggest that this variant may create or strengthen a splice site, but this prediction has not been confirmed by published transcriptional studies. In summary, the available evidence is currently insufficient to determine the role of this variant in disease. Therefore, it has been classified as a Variant of Uncertain Significance.